The following is an entry in ClinVar:

NM_000271.5(NPC1):c.2692G>A (p.Asp898Asn)

Gene: NPC1 (NPC intracellular cholesterol transporter 1; minus strand). Cytogenetic location: 18q11.2.
Variant type: single nucleotide variant.
Coding change: c.2692G>A on transcript NM_000271.5 (MANE Select); coding-DNA position 2692, G replaced by A.
Protein change: p.Asp898Asn; replaces aspartic acid 898 with asparagine.
Molecular consequence: missense variant.
Genome position (GRCh38, 1-based): chr18:23,539,914, C>T on the plus strand (G>A on the coding strand, the complement: NPC1 is on the minus strand). VCF-style: chr18-23539914-C-T. GRCh37 (hg19) VCF-style: chr18-21119878-C-T.
Other names: short protein forms D898N.
Identifiers: ClinVar variation 440008 (VCV000440008.21), dbSNP rs528841924, ClinGen allele CA8912999.
Genomic context (GRCh38, chr18:23,539,914, plus strand): 5'-AATCATTGTTGCAGCCCATGCCGCCGCACACCATGTTCTGCCCCTTGGAAGAAGTGTAGT[C>T]GTGCCCTTCCTCCAGGACAAAGTACACAGGCGGACCCGCATGCAGGTACTGACTGATGGA-3'
Protein context (NP_000262.2, residues 888-908): PVYFVLEEGH[Asp898Asn]YTSSKGQNMV

ClinVar aggregate classification (germline): Uncertain significance. Review status: criteria provided, multiple submitters, no conflicts (2 of 4 stars). 4 submissions from 4 submitters: Uncertain significance (3). 1 of the submissions does not count toward it. Last evaluated 2022-05-09.

Conditions:
Niemann-Pick disease, type C1. Also called: NIEMANN-PICK DISEASE, VARIANT TYPE C1; NEUROVISCERAL STORAGE DISEASE WITH VERTICAL SUPRANUCLEAR OPHTHALMOPLEGIA; NIEMANN-PICK DISEASE WITH CHOLESTEROL ESTERIFICATION BLOCK; NIEMANN-PICK DISEASE WITHOUT SPHINGOMYELINASE DEFICIENCY; NIEMANN-PICK DISEASE, CHRONIC NEURONOPATHIC FORM. Identifiers: Orphanet 646, MedGen C3179455, MONDO:0009757, OMIM 257220.

Allele frequency attached by ClinVar (database versions not stated): gnomAD exomes 0.00002 and 0.00003; ExAC 0.00003; gnomAD 0.00004 and 0.00005; TOPMed 0.00004; 1000 Genomes Project 0.00020; 1000 Genomes Project 30x 0.00031.
gnomAD v4.1: 34 of 1,614,102 alleles (0.0021%); highest among the groups gnomAD compares: African/African-American, 0.0053%; no homozygotes.

Submissions (4):

Labcorp Genetics (formerly Invitae), Labcorp
Classification: Uncertain significance for Niemann-Pick disease, type C1. Last evaluated: 2022-05-09. Review status: criteria provided, single submitter. Criteria: Invitae Variant Classification Sherloc (09022015). Collection method: clinical testing. Allele origin: germline.
Comment: This sequence change replaces aspartic acid, which is acidic and polar, with asparagine, which is neutral and polar, at codon 898 of the NPC1 protein (p.Asp898Asn). This variant is present in population databases (rs528841924, gnomAD 0.006%). This missense change has been observed in individual(s) with Niemann-Pick disease type C (PMID: 25425405). ClinVar contains an entry for this variant (Variation ID: 440008). Advanced modeling of protein sequence and biophysical properties (such as structural, functional, and spatial information, amino acid conservation, physicochemical variation, residue mobility, and thermodynamic stability) performed at Invitae indicates that this missense variant is not expected to disrupt NPC1 protein function. In summary, the available evidence is currently insufficient to determine the role of this variant in disease. Therefore, it has been classified as a Variant of Uncertain Significance.

GeneDx
Classification: Uncertain significance. Last evaluated: 2021-04-29. Review status: criteria provided, single submitter. Criteria: GeneDx Variant Classification Process June 2021. Collection method: clinical testing. Allele origin: germline. Affected: yes.
Comment: Reported previously in association with Niemann-Pick disease, type C (NPC) in a patient who also harbored a second variant in the NPC1 gene, however phase was unknown (Abela et al., 2014); Not observed at a significant frequency in large population cohorts (Lek et al., 2016); In silico analysis supports that this missense variant does not alter protein structure/function; This variant is associated with the following publications: (PMID: 31754021, 25425405)

ARUP Laboratories, Molecular Genetics and Genomics, ARUP Laboratories
Classification: Uncertain significance. Last evaluated: 2016-10-06. Review status: criteria provided, single submitter. Criteria: ARUP Molecular Germline Variant Investigation Process. Collection method: clinical testing. Allele origin: germline.

Natera, Inc.
Classification: Uncertain significance for Niemann-Pick disease type C1. Last evaluated: 2020-10-06. Review status: no assertion criteria provided. Collection method: clinical testing. Allele origin: germline. Not counted in ClinVar's aggregate classification.

Literature cited by the submitters: PubMed 25425405 (cited by Labcorp Genetics (formerly Invitae), Labcorp).